The following is an entry in ClinVar:

NM_000138.5(FBN1):c.6906T>A (p.Cys2302Ter)

Gene: FBN1 (fibrillin 1; minus strand). Cytogenetic location: 15q21.1.
Variant type: single nucleotide variant.
Coding change: c.6906T>A on transcript NM_000138.5 (MANE Select); coding-DNA position 6906, T replaced by A.
Protein change: p.Cys2302Ter; replaces cysteine 2302 with a stop codon.
Molecular consequence: nonsense.
Genome position (GRCh38, 1-based): chr15:48,428,437, A>T on the plus strand (T>A on the coding strand, the complement: FBN1 is on the minus strand). VCF-style: chr15-48428437-A-T. GRCh37 (hg19) VCF-style: chr15-48720634-A-T.
Other names: c.6906T>A, p.Cys2302Ter (NM_001406716.1); short protein forms C2302*.
Identifiers: ClinVar variation 4783789 (VCV004783789.1).

ClinVar aggregate classification (germline): Pathogenic (1 of 4 stars; one submission).

Conditions:
Marfan syndrome (MFS). Also called: FBN1-Related Marfan Syndrome; MARFAN SYNDROME, TYPE I; Marfan syndrome type 1; Marfan's syndrome; Marfan syndrome, classic. Identifiers: Orphanet 284963, Orphanet 558, MedGen C0024796, MONDO:0007947, OMIM 154700.
Familial thoracic aortic aneurysm and aortic dissection (TAAD). Also called: Thoracic aortic aneurysms and dissections. Identifiers: Orphanet 91387, MedGen C4707243, MONDO:0019625.

Submission:

Labcorp Genetics (formerly Invitae), Labcorp
Classification: Pathogenic for Marfan syndrome; Familial thoracic aortic aneurysm and aortic dissection. Last evaluated: 2025-03-18. Review status: criteria provided, single submitter. Criteria: Invitae Variant Classification Sherloc (09022015). Collection method: clinical testing. Allele origin: germline.
Comment: This sequence change creates a premature translational stop signal (p.Cys2302*) in the FBN1 gene. It is expected to result in an absent or disrupted protein product. Loss-of-function variants in FBN1 are known to be pathogenic (PMID: 17657824, 19293843). This variant is not present in population databases (gnomAD no frequency). This premature translational stop signal has been observed in individual(s) with Marfan syndrome (PMID: 22005308). It has also been observed to segregate with disease in related individuals. For these reasons, this variant has been classified as Pathogenic.

Literature cited by the submitters: PubMed 17657824; PubMed 19293843; PubMed 22005308.